The following is an entry in ClinVar:

NM_001355436.2(SPTB):c.200A>C (p.His67Pro)

Gene: SPTB (spectrin beta, erythrocytic; minus strand). Cytogenetic location: 14q23.3.
Variant type: single nucleotide variant.
Coding change: c.200A>C on transcript NM_001355436.2 (MANE Select); coding-DNA position 200, A replaced by C.
Protein change: p.His67Pro; replaces histidine 67 with proline.
Molecular consequence: missense variant.
Genome position (GRCh38, 1-based): chr14:64,805,039, T>G on the plus strand (A>C on the coding strand, the complement: SPTB is on the minus strand). VCF-style: chr14-64805039-T-G. GRCh37 (hg19) VCF-style: chr14-65271757-T-G.
Other names: c.200A>C, p.His67Pro (NM_001024858.4, NM_001355437.2); short protein forms H67P.
Identifiers: ClinVar variation 3652003 (VCV003652003.2).
Genomic context (GRCh38, chr14:64,805,039, plus strand): 5'-ATGCGCCCATCCCGCAGGTCCTTGTAGAGATCGGTGATGCGGCAGGACACTCGAGCCAGG[T>G]GCGAGTTCACCCATTTCGTGAAGGTCTTTTTCTGAACAACTTCCCGCTCATCTAGGTGGA-3'
Protein context (NP_001342365.1, residues 57-77): KKTFTKWVNS[His67Pro]LARVSCRITD

ClinVar aggregate classification (germline): Uncertain significance (1 of 4 stars; one submission).

gnomAD v4.1: 1 of 1,614,084 alleles (0.000062%); highest among the groups gnomAD compares: Non-Finnish European, 0.000085%; no homozygotes.

Submission:

Labcorp Genetics (formerly Invitae), Labcorp
Classification: Uncertain significance. Last evaluated: 2024-05-02. Review status: criteria provided, single submitter. Criteria: Invitae Variant Classification Sherloc (09022015). Collection method: clinical testing. Allele origin: germline.
Comment: This sequence change replaces histidine, which is basic and polar, with proline, which is neutral and non-polar, at codon 67 of the SPTB protein (p.His67Pro). This variant is not present in population databases (gnomAD no frequency). This variant has not been reported in the literature in individuals affected with SPTB-related conditions. An algorithm developed to predict the effect of missense changes on protein structure and function (PolyPhen-2) suggests that this variant is likely to be disruptive. In summary, the available evidence is currently insufficient to determine the role of this variant in disease. Therefore, it has been classified as a Variant of Uncertain Significance.